The following is an entry in ClinVar:

NM_003334.4(UBA1):c.572C>T (p.Thr191Met)

Gene: UBA1 (ubiquitin like modifier activating enzyme 1; plus strand). Cytogenetic location: Xp11.3.
Variant type: single nucleotide variant.
Coding change: c.572C>T on transcript NM_003334.4 (MANE Select); coding-DNA position 572, C replaced by T.
Protein change: p.Thr191Met; replaces threonine 191 with methionine.
Molecular consequence: missense variant.
Genome position (GRCh38, 1-based): chrX:47,200,985, C>T. VCF-style: chrX-47200985-C-T. GRCh37 (hg19) VCF-style: chrX-47060384-C-T.
Other names: c.572C>T, p.Thr191Met (NM_153280.3); short protein forms T191M.
Identifiers: ClinVar variation 2960334 (VCV002960334.3), dbSNP rs1556787688, ClinGen allele CA412792194.

ClinVar aggregate classification (germline): Uncertain significance (1 of 4 stars; one submission).

Conditions:
Infantile-onset X-linked spinal muscular atrophy. Also called: AMC, DISTAL, X-LINKED; ARTHROGRYPOSIS, X-LINKED, TYPE I; Spinal muscular atrophy, X-linked 2; Spinal Muscular Atrophy, X-Linked Infantile; SPINAL MUSCULAR ATROPHY, X-LINKED LETHAL INFANTILE. Identifiers: Orphanet 1145, MedGen C1844934, MONDO:0010532, OMIM 301830.

Allele frequency attached by ClinVar (database versions not stated): gnomAD exomes below 0.00001; gnomAD 0.00001.
gnomAD v4.1: 2 of 1,198,118 alleles (0.00017%); highest among the groups gnomAD compares: African/African-American, 0.0018%; no homozygotes.

Submission:

Labcorp Genetics (formerly Invitae), Labcorp
Classification: Uncertain significance for Infantile-onset X-linked spinal muscular atrophy. Last evaluated: 2023-03-29. Review status: criteria provided, single submitter. Criteria: Invitae Variant Classification Sherloc (09022015). Collection method: clinical testing. Allele origin: germline.
Comment: In summary, the available evidence is currently insufficient to determine the role of this variant in disease. Therefore, it has been classified as a Variant of Uncertain Significance. An algorithm developed to predict the effect of missense changes on protein structure and function (PolyPhen-2) suggests that this variant is likely to be disruptive. This variant has not been reported in the literature in individuals affected with UBA1-related conditions. The frequency data for this variant in the population databases is considered unreliable, as metrics indicate poor data quality at this position in the gnomAD database. This sequence change replaces threonine, which is neutral and polar, with methionine, which is neutral and non-polar, at codon 191 of the UBA1 protein (p.Thr191Met).